The following is an entry in ClinVar:

NM_022552.5(DNMT3A):c.1376A>G (p.Lys459Arg)

Gene: DNMT3A (DNA methyltransferase 3 alpha; minus strand). Cytogenetic location: 2p23.3.
Variant type: single nucleotide variant.
Coding change: c.1376A>G on transcript NM_022552.5 (MANE Select); coding-DNA position 1376, A replaced by G.
Protein change: p.Lys459Arg; replaces lysine 459 with arginine.
Molecular consequence: missense variant. On other transcripts: non-coding transcript variant (1).
Genome position (GRCh38, 1-based): chr2:25,246,213, T>C on the plus strand (A>G on the coding strand, the complement: DNMT3A is on the minus strand). VCF-style: chr2-25246213-T-C. GRCh37 (hg19) VCF-style: chr2-25469082-T-C.
Other names: c.920A>G, p.Lys307Arg (NM_001320893.1); c.707A>G, p.Lys236Arg (NM_001375819.1); c.809A>G, p.Lys270Arg (NM_153759.3); c.1376A>G, p.Lys459Arg (NM_175629.2); short protein forms K236R, K270R, K307R, K459R.
Identifiers: ClinVar variation 3504255 (VCV003504255.1).

ClinVar aggregate classification (germline): Uncertain significance (1 of 4 stars; one submission).

Conditions:
Inborn genetic diseases. Identifiers: MedGen C0950123, MeSH D030342.

Submission:

Ambry Genetics
Classification: Uncertain significance for Inborn genetic diseases. Last evaluated: 2024-12-10. Review status: criteria provided, single submitter. Criteria: Ambry Variant Classification Scheme 2023. Collection method: clinical testing. Allele origin: germline.
Comment: The p.K459R variant (also known as c.1376A>G), located in coding exon 10 of the DNMT3A gene, results from an A to G substitution at nucleotide position 1376. The lysine at codon 459 is replaced by arginine, an amino acid with highly similar properties. This amino acid position is conserved. In addition, the in silico prediction for this alteration is inconclusive. Based on the available evidence, the clinical significance of this variant remains unclear.